The following is an entry in ClinVar:

NM_014706.4(SART3):c.2507G>A (p.Arg836Gln)

Genes: SART3 (spliceosome associated factor 3, U4/U6 recycling protein; minus strand), LOC126861630 (CDK7 strongly-dependent group 2 enhancer GRCh37_chr12:108918373-108919572; plus strand). Cytogenetic location: 12q23.3.
Variant type: single nucleotide variant.
Coding change: c.2507G>A on transcript NM_014706.4 (MANE Select); coding-DNA position 2507, G replaced by A.
Protein change: p.Arg836Gln; replaces arginine 836 with glutamine.
Molecular consequence: missense variant.
Genome position (GRCh38, 1-based): chr12:108,525,473, C>T on the plus strand (G>A on the coding strand, the complement: SART3 is on the minus strand). VCF-style: chr12-108525473-C-T. GRCh37 (hg19) VCF-style: chr12-108919250-C-T.
Other names: c.2561G>A, p.Arg854Gln (NM_001410983.1); short protein forms R836Q, R854Q.
Identifiers: ClinVar variation 2444505 (VCV002444505.1), dbSNP rs1360428152, ClinGen allele CA386434878.

ClinVar aggregate classification (germline): Likely pathogenic (0 of 4 stars; one submission).

Conditions:
Intellectual disability, Neurodevelopmental defects and Developmental delay with 46,XY gonadal dysgenesis.

Allele frequency attached by ClinVar (database versions not stated): gnomAD exomes below 0.00001; gnomAD 0.00001; TOPMed 0.00001.
gnomAD v4.1: 6 of 1,614,056 alleles (0.00037%); highest among the groups gnomAD compares: Middle Eastern, 0.016%; no homozygotes.

Submission:

Reproductive Development, Murdoch Childrens Research Institute
Classification: Likely pathogenic for Intellectual disability, Neurodevelopmental defects and Developmental delay with 46,XY gonadal dysgenesis. Last evaluated: 2023-03-06. Review status: no assertion criteria provided. Collection method: research. Allele origin: biparental. Inheritance: Autosomal recessive inheritance. Affected: yes. Observed: 4 variant alleles. Clinical features observed: Abnormality of head or neck (HP:0000152), Abnormal palate morphology (HP:0000174), Long face (HP:0000276), Deeply set eye (HP:0000490), Abnormal nasal morphology (HP:0005105), Prominent nasal tip (HP:0005274), Prominent metopic ridge (HP:0005487), Mild microcephaly (HP:0040196), Sparse eyebrow (HP:0045075), Hypotonia (HP:0001252), Abnormality of limbs (HP:0040064), Lower limb hypertonia (HP:0006895), and 12 more.
Comment: This variant was identified in two distantly related families and is homozgyous in 2 affected children in each family, and heterozygous in all unaffected parents and siblings. All four affected children have overlapping clinical features. The variant falls in a highly conserved residue within an important RRM2 protein domain. The variant is absent from online databases such as gnomAD. Functional analysis of iPSCs suggested this is a pathogenic variant.

Literature cited by the submitters: PubMed 37296101.